The following is an entry in ClinVar:

ClinVar aggregate classification (germline): Likely benign (1 of 4 stars; one submission).

Conditions:
TSHZ1-related disorder. Also called: TSHZ1-related condition.

gnomAD v4.1: 30 of 1,614,204 alleles (0.0019%); highest among the groups gnomAD compares: East Asian, 0.025%; no homozygotes.

Submission:

PreventionGenetics, part of Exact Sciences
Classification: Likely benign for TSHZ1-related condition. Last evaluated: 2025-11-11. Review status: criteria provided, single submitter. Criteria: ACMG Guidelines, 2015. Collection method: clinical testing. Allele origin: germline.
Comment: This variant is classified as likely benign based on ACMG/AMP sequence variant interpretation guidelines (Richards et al. 2015 PMID: 25741868, with internal and published modifications).

NM_001308210.2(TSHZ1):c.2049G>A (p.Thr683=)

Gene: TSHZ1 (teashirt zinc finger homeobox 1; plus strand). Cytogenetic location: 18q22.3.
Variant type: single nucleotide variant.
Coding change: c.2049G>A on transcript NM_001308210.2 (MANE Select); coding-DNA position 2049, G replaced by A.
Protein change: p.Thr683=; no amino-acid change (threonine 683 retained).
Molecular consequence: synonymous variant.
Genome position (GRCh38, 1-based): chr18:75,287,456, G>A. VCF-style: chr18-75287456-G-A. GRCh37 (hg19) VCF-style: chr18-72999411-G-A.
Other names: c.1914G>A, p.Thr638= (NM_005786.6).
Identifiers: ClinVar variation 4979217 (VCV004979217.1).
Genomic context (GRCh38, chr18:75,287,456, plus strand): 5'-GAGCTCCCTGGCCAAGGCTGCGTCCCCCATAGCAAAAGAGAATAAAGATTTCCCGAAAAC[G>A]GAGGAAGTCAGCGGCAAACCACAGAAGAAGGGCCCTGAGGCCGAGACTGGGAAGGCCAAA-3'
Protein context (NP_001295139.1, residues 673-693): IAKENKDFPK[Thr683=]EEVSGKPQKK